The following is an entry in ClinVar:

ClinVar aggregate classification (germline): Likely benign. Review status: criteria provided, multiple submitters, no conflicts (2 of 4 stars). 3 submissions from 3 submitters: Likely benign (3). Last evaluated 2025-11-19.

Conditions:
GOT2-related disorder. Also called: GOT2-related condition.

Allele frequency attached by ClinVar (database versions not stated): gnomAD exomes 0.00015 and 0.00046; ExAC 0.00063; ESP Exome Variant Server 0.00090; gnomAD 0.00154 and 0.00165; TOPMed 0.00172; 1000 Genomes Project 0.00180; 1000 Genomes Project 30x 0.00219.
gnomAD v4.1: 422 of 1,336,540 alleles (0.032%); highest among the groups gnomAD compares: African/African-American, 0.57%; 1 homozygote.

Submissions (3):

PreventionGenetics, part of Exact Sciences
Classification: Likely benign for GOT2-related condition. Last evaluated: 2025-11-19. Review status: criteria provided, single submitter. Criteria: ACMG Guidelines, 2015. Collection method: clinical testing. Allele origin: germline.
Comment: This variant is classified as likely benign based on ACMG/AMP sequence variant interpretation guidelines (Richards et al. 2015 PMID: 25741868, with internal and published modifications).

Labcorp Genetics (formerly Invitae), Labcorp
Classification: Likely benign. Last evaluated: 2025-11-03. Review status: criteria provided, single submitter. Criteria: Invitae Variant Classification Sherloc (09022015). Collection method: clinical testing. Allele origin: germline.

CeGaT Center for Human Genetics Tuebingen
Classification: Likely benign. Last evaluated: 2024-11-01. Review status: criteria provided, single submitter. Criteria: CeGaT Center For Human Genetics Tuebingen Variant Classification Criteria Version 2. Collection method: clinical testing. Allele origin: germline. Affected: yes. Observed: 1 variant allele.
Comment: GOT2: BS2

NM_002080.4(GOT2):c.47C>G (p.Ala16Gly)

Gene: GOT2 (glutamic-oxaloacetic transaminase 2; minus strand). Cytogenetic location: 16q21.
Variant type: single nucleotide variant.
Coding change: c.47C>G on transcript NM_002080.4 (MANE Select); coding-DNA position 47, C replaced by G.
Protein change: p.Ala16Gly; replaces alanine 16 with glycine.
Molecular consequence: missense variant.
Genome position (GRCh38, 1-based): chr16:58,734,182, G>C on the plus strand (C>G on the coding strand, the complement: GOT2 is on the minus strand). VCF-style: chr16-58734182-G-C. GRCh37 (hg19) VCF-style: chr16-58768086-G-C.
Other names: c.47C>G, p.Ala16Gly (NM_001286220.2); c.47C>G (NM_002080.3); short protein forms A16G.
Identifiers: ClinVar variation 1630230 (VCV001630230.23), dbSNP rs375771750, ClinGen allele CA8091167.
Genomic context (GRCh38, chr16:58,734,182, plus strand): 5'-CCGTTTCCCTTGGCTTACCTGGCTCTGGCAGAGGCCGCGGCGGCGAGGCCCGGGTGGAAG[G>C]CGGCGGCGATCCCGGGGAGGACGCGGCCGGAGTGCAGCAGGGCCATGGTGGACCGTAGGA-3'
Protein context (NP_002071.2, residues 6-26): SGRVLPGIAA[Ala16Gly]FHPGLAAAAS